The following is an entry in ClinVar:

ClinVar aggregate classification (germline): Uncertain significance. Review status: criteria provided, multiple submitters, no conflicts (2 of 4 stars). 2 submissions from 2 submitters: Uncertain significance (2). Last evaluated 2025-08-25.

Conditions:
Arrhythmogenic right ventricular dysplasia 8 (ARVD8). Also called: ARRHYTHMOGENIC RIGHT VENTRICULAR DYSPLASIA, FAMILIAL, 8; ARRHYTHMOGENIC RIGHT VENTRICULAR CARDIOMYOPATHY 8; Arrhythmogenic Right Ventricular Dysplasia/Cardiomyopathy 8. Identifiers: MedGen C1843896, MONDO:0011831, OMIM 607450.
Arrhythmogenic cardiomyopathy with wooly hair and keratoderma. Also called: Arrhythmogenic cardiomyopathy with woolly hair and keratoderma; PALMOPLANTAR KERATODERMA WITH LEFT VENTRICULAR CARDIOMYOPATHY AND WOOLLY HAIR; Carvajal syndrome; Dilated cardiomyopathy with woolly hair and keratoderma. Identifiers: Orphanet 65282, MedGen C1854063, MONDO:0011581, OMIM 605676.
Cardiovascular phenotype. Identifiers: MedGen CN230736.

Allele frequency attached by ClinVar (database versions not stated): gnomAD 0.00001.
gnomAD v4.1: 1 of 1,613,834 alleles (0.000062%); highest among the groups gnomAD compares: African/African-American, 0.0013%; no homozygotes.

Submissions (2):

Ambry Genetics
Classification: Uncertain significance for Cardiovascular phenotype. Last evaluated: 2025-08-25. Review status: criteria provided, single submitter. Criteria: Ambry Variant Classification Scheme 2023. Collection method: clinical testing. Allele origin: germline.

Labcorp Genetics (formerly Invitae), Labcorp
Classification: Uncertain significance for Arrhythmogenic cardiomyopathy with wooly hair and keratoderma; Arrhythmogenic right ventricular dysplasia 8. Last evaluated: 2022-03-19. Review status: criteria provided, single submitter. Criteria: Invitae Variant Classification Sherloc (09022015). Collection method: clinical testing. Allele origin: germline.
Comment: In summary, the available evidence is currently insufficient to determine the role of this variant in disease. Therefore, it has been classified as a Variant of Uncertain Significance. Algorithms developed to predict the effect of sequence changes on RNA splicing suggest that this variant may create or strengthen a splice site. Algorithms developed to predict the effect of missense changes on protein structure and function (SIFT, PolyPhen-2, Align-GVGD) all suggest that this variant is likely to be tolerated. This variant has not been reported in the literature in individuals affected with DSP-related conditions. This variant is not present in population databases (gnomAD no frequency). This sequence change replaces alanine, which is neutral and non-polar, with glycine, which is neutral and non-polar, at codon 306 of the DSP protein (p.Ala306Gly).

NM_004415.4(DSP):c.917C>G (p.Ala306Gly)

Gene: DSP (desmoplakin; plus strand). Cytogenetic location: 6p24.3.
Variant type: single nucleotide variant.
Coding change: c.917C>G on transcript NM_004415.4 (MANE Select); coding-DNA position 917, C replaced by G.
Protein change: p.Ala306Gly; replaces alanine 306 with glycine.
Molecular consequence: missense variant.
Genome position (GRCh38, 1-based): chr6:7,565,498, C>G. VCF-style: chr6-7565498-C-G. GRCh37 (hg19) VCF-style: chr6-7565731-C-G.
Other names: c.917C>G, p.Ala306Gly (NM_001008844.3, NM_001319034.2); c.917C>G (NM_004415.2); short protein forms A306G.
Identifiers: ClinVar variation 1432174 (VCV001432174.9), dbSNP rs1758833983, ClinGen allele CA362674641.